The following is an entry in ClinVar:

NM_004312.3(ARR3):c.544C>T (p.Gln182Ter)

Gene: ARR3 (arrestin 3; plus strand). Cytogenetic location: Xq13.1.
Variant type: single nucleotide variant.
Coding change: c.544C>T on transcript NM_004312.3 (MANE Select); coding-DNA position 544, C replaced by T.
Protein change: p.Gln182Ter; replaces glutamine 182 with a stop codon.
Molecular consequence: nonsense.
Genome position (GRCh38, 1-based): chrX:70,277,464, C>T. VCF-style: chrX-70277464-C-T. GRCh37 (hg19) VCF-style: chrX-69497314-C-T.
Other names: short protein forms Q182*.
Identifiers: ClinVar variation 4995930 (VCV004995930.1).
Genomic context (GRCh38, chrX:70,277,464, plus strand): 5'-CGGCTGGTTGTCCGGAAAGTACAATTTGCACCACCGGAGGCAGGCCCTGGCCCCTCAGCC[C>T]AGACCATCCGCCGCTTCCTTCTGTCAGCTCAGCCCCTACAACTCCAGGCCTGGATGGACA-3'

ClinVar aggregate classification (germline): Likely pathogenic (1 of 4 stars; one submission).

Conditions:
ARR3-related disorder. Also called: ARR3-related condition.

Submission:

PreventionGenetics, part of Exact Sciences
Classification: Likely pathogenic for ARR3-related condition. Last evaluated: 2026-07-19. Review status: criteria provided, single submitter. Criteria: ACMG Guidelines, 2015. Collection method: clinical testing. Allele origin: germline.
Comment: The ARR3 c.544C>T variant is predicted to result in premature protein termination (p.Gln182*). To our knowledge, this variant has not been reported in the literature. This variant is absent in a large population database (gnomAD), indicating this variant is rare. Nonsense variants in ARR3 are an established mechanism of disease. This variant is interpreted as likely pathogenic.